The following is an entry in ClinVar:

NM_001306080.2(LMO7):c.3520G>C (p.Asp1174His)

Gene: LMO7 (LIM domain 7; plus strand). Cytogenetic location: 13q22.2.
Variant type: single nucleotide variant.
Coding change: c.3520G>C on transcript NM_001306080.2 (MANE Select); coding-DNA position 3520, G replaced by C.
Protein change: p.Asp1174His; replaces aspartic acid 1174 with histidine.
Molecular consequence: missense variant.
Genome position (GRCh38, 1-based): chr13:75,840,433, G>C. VCF-style: chr13-75840433-G-C. GRCh37 (hg19) VCF-style: chr13-76414569-G-C.
Other names: c.2821G>C, p.Asp941His (NM_001330583.1, NM_001366632.2, NM_015842.2); c.3394G>C, p.Asp1132His (NM_001366633.2); c.2539G>C, p.Asp847His (NM_001366634.2, NM_001366636.2); c.2674G>C, p.Asp892His (NM_005358.5); short protein forms D1132H, D1174H, D847H, D892H, D941H.
Identifiers: ClinVar variation 3048254 (VCV003048254.2), dbSNP rs534973931, ClinGen allele CA7006145.

ClinVar aggregate classification (germline): Likely benign (0 of 4 stars; one submission).

Conditions:
LMO7-related disorder. Also called: LMO7-related condition.

Allele frequency attached by ClinVar (database versions not stated): 1000 Genomes Project 30x 0.00328; 1000 Genomes Project 0.00359.
gnomAD v4.1: 1,364 of 1,614,050 alleles (0.085%); highest among the groups gnomAD compares: South Asian, 1.4%; 15 homozygotes.

Submission:

PreventionGenetics, part of Exact Sciences
Classification: Likely benign for LMO7-related condition. Last evaluated: 2021-02-22. Review status: no assertion criteria provided. Collection method: clinical testing. Allele origin: germline.
Comment: This variant is classified as likely benign based on ACMG/AMP sequence variant interpretation guidelines (Richards et al. 2015 PMID: 25741868, with internal and published modifications).